The following is an entry in ClinVar:

ClinVar aggregate classification (germline): Pathogenic (1 of 4 stars; one submission).

Conditions:
Hereditary pheochromocytoma and paraganglioma. Also called: Hereditary Paraganglioma-Pheochromocytoma Syndromes; Hereditary paragangliomas and pheochromocytomas; Hereditary pheochromocytoma-paraganglioma. Identifiers: Orphanet 29072, MedGen C4274332, MONDO:0017366.

Submission:

Labcorp Genetics (formerly Invitae), Labcorp
Classification: Pathogenic for Hereditary pheochromocytoma and paraganglioma. Last evaluated: 2016-11-23. Review status: criteria provided, single submitter. Criteria: Invitae Variant Classification Sherloc (09022015). Collection method: clinical testing. Allele origin: germline.
Comment: A gross deletion of the genomic region encompassing the full coding sequence of the TMEM127 gene has been identified. The boundaries of this event are unknown as the deletion extends beyond the assayed region for this gene and therefore may encompass additional genes. While this particular copy number variant has not been reported in the literature, loss of function variants in TMEM127 are known to be pathogenic (PMID: 20154675, 21156949). For these reasons, this variant has been classified as Pathogenic.

NC_000002.12:g.(?_96250208)_(96265512_?)del

Genes: TMEM127 (transmembrane protein 127; minus strand), LOC110121224 (VISTA enhancer hs1919; plus strand), LOC129934333 (ATAC-STARR-seq lymphoblastoid silent region 11759; plus strand). Cytogenetic location: 2q11.2.
Variant type: Deletion.
Other names: c.-131-?_*3600+?del (LRG_528t1).
Identifiers: ClinVar variation 241220 (VCV000241220.1).